The following is an entry in ClinVar:

ClinVar aggregate classification (germline): Uncertain significance (1 of 4 stars; one submission).

Conditions:
Dilated cardiomyopathy 1W (CMD1W). Identifiers: Orphanet 154, MedGen C1969639, MONDO:0012667, OMIM 611407.

Allele frequency attached by ClinVar (database versions not stated): gnomAD exomes below 0.00001; gnomAD 0.00001.
gnomAD v4.1: 2 of 1,613,700 alleles (0.00012%); highest among the groups gnomAD compares: Admixed American, 0.0017%; no homozygotes.

Submission:

Labcorp Genetics (formerly Invitae), Labcorp
Classification: Uncertain significance for Dilated cardiomyopathy 1W. Last evaluated: 2022-07-15. Review status: criteria provided, single submitter. Criteria: Invitae Variant Classification Sherloc (09022015). Collection method: clinical testing. Allele origin: germline.
Comment: This variant is not present in population databases (gnomAD no frequency). This sequence change replaces serine, which is neutral and polar, with phenylalanine, which is neutral and non-polar, at codon 787 of the VCL protein (p.Ser787Phe). This variant has not been reported in the literature in individuals affected with VCL-related conditions. In summary, the available evidence is currently insufficient to determine the role of this variant in disease. Therefore, it has been classified as a Variant of Uncertain Significance. Algorithms developed to predict the effect of missense changes on protein structure and function are either unavailable or do not agree on the potential impact of this missense change (SIFT: "Not Available"; PolyPhen-2: "Probably Damaging"; Align-GVGD: "Not Available").

NM_014000.3(VCL):c.2360C>T (p.Ser787Phe)

Gene: VCL (vinculin; plus strand). Cytogenetic location: 10q22.2.
Variant type: single nucleotide variant.
Coding change: c.2360C>T on transcript NM_014000.3 (MANE Select); coding-DNA position 2360, C replaced by T.
Protein change: p.Ser787Phe; replaces serine 787 with phenylalanine.
Molecular consequence: missense variant.
Genome position (GRCh38, 1-based): chr10:74,105,279, C>T. VCF-style: chr10-74105279-C-T. GRCh37 (hg19) VCF-style: chr10-75865037-C-T.
Other names: c.2360C>T, p.Ser787Phe (NM_003373.4); short protein forms S787F.
Identifiers: ClinVar variation 1937631 (VCV001937631.5), dbSNP rs981215868, ClinGen allele CA209694172.